The following is an entry in ClinVar:

NM_002764.4(PRPS1):c.531-74C>T

Gene: PRPS1 (phosphoribosyl pyrophosphate synthetase 1; plus strand). Cytogenetic location: Xq22.3.
Variant type: single nucleotide variant.
Coding change: c.531-74C>T on transcript NM_002764.4 (MANE Select); 74 bases into the intron before coding-DNA position 531, C replaced by T.
Molecular consequence: intron variant.
Genome position (GRCh38, 1-based): chrX:107,645,103, C>T. VCF-style: chrX-107645103-C-T. GRCh37 (hg19) VCF-style: chrX-106888333-C-T.
Other names: c.-82-74C>T (NM_001204402.2).
Identifiers: ClinVar variation 676271 (VCV000676271.2), dbSNP rs151295141, ClinGen allele CA15050005.

ClinVar aggregate classification (germline): Benign. Review status: criteria provided, multiple submitters, no conflicts (2 of 4 stars). 2 submissions from 2 submitters: Benign (2). Last evaluated 2018-06-13.

Allele frequency attached by ClinVar (database versions not stated): 1000 Genomes Project 0.10252; 1000 Genomes Project 30x 0.10343; TOPMed 0.18185; gnomAD 0.19437 and 0.19794; gnomAD exomes 0.26821.
gnomAD v4.1: 299,901 of 1,153,365 alleles (26%); highest among the groups gnomAD compares: Non-Finnish European, 30%; 30,793 homozygotes.

Submissions (2):

GeneDx
Classification: Benign. Last evaluated: 2018-06-13. Review status: criteria provided, single submitter. Criteria: GeneDx Variant Classification (06012015). Collection method: clinical testing. Allele origin: germline. Affected: yes.
Comment: This variant is considered likely benign or benign based on one or more of the following criteria: it is a conservative change, it occurs at a poorly conserved position in the protein, it is predicted to be benign by multiple in silico algorithms, and/or has population frequency not consistent with disease.

Breakthrough Genomics
Classification: Benign. Review status: criteria provided, single submitter. Criteria: ACMG Guidelines, 2015. Collection method: not provided. Allele origin: germline. Inheritance: X-linked inheritance. Affected: yes.